The following is an entry in ClinVar:

ClinVar aggregate classification (germline): Pathogenic (1 of 4 stars; one submission).

Submission:

Labcorp Genetics (formerly Invitae), Labcorp
Classification: Pathogenic. Last evaluated: 2022-11-12. Review status: criteria provided, single submitter. Criteria: Invitae Variant Classification Sherloc (09022015). Collection method: clinical testing. Allele origin: unknown.
Comment: For these reasons, this variant has been classified as Pathogenic. This variant has not been reported in the literature in individuals affected with LOXHD1-related conditions. This variant is a gross deletion of the genomic region encompassing exon(s) 20 of the LOXHD1 gene. This deletion is out-of-frame, and is expected to create a premature termination codon and result in an absent or disrupted protein product. Loss-of-function variants in LOXHD1 are known to be pathogenic (PMID: 19732867, 21465660, 25792669).

Literature cited by the submitters: PubMed 19732867; PubMed 21465660; PubMed 25792669.

NC_000018.9:g.(?_44139401)_(44139575_?)del

Gene: LOXHD1 (lipoxygenase homology PLAT domains 1; minus strand). Cytogenetic location: 18q21.1.
Variant type: Deletion.
Identifiers: ClinVar variation 3242813 (VCV003242813.1).